The following is an entry in ClinVar:

NM_130837.3(OPA1):c.610+5G>C

Gene: OPA1 (OPA1 mitochondrial dynamin like GTPase; plus strand). Cytogenetic location: 3q29.
Variant type: single nucleotide variant.
Coding change: c.610+5G>C on transcript NM_130837.3 (MANE Select); 5 bases into the intron after coding-DNA position 610, G replaced by C.
Molecular consequence: intron variant.
Genome position (GRCh38, 1-based): chr3:193,617,842, G>C. VCF-style: chr3-193617842-G-C. GRCh37 (hg19) VCF-style: chr3-193335631-G-C.
Other names: c.184+557G>C (NM_001354664.2); c.77-1027G>C (NM_001354663.2); c.610+5G>C (NM_130834.3); c.556+557G>C (NM_130836.3, NM_015560.3); c.502+5G>C (NM_130835.3, NM_130832.3); c.449-1027G>C (NM_130833.3, NM_130831.3).
Identifiers: ClinVar variation 2049074 (VCV002049074.4), dbSNP rs1165200301, ClinGen allele CA548818303.

ClinVar aggregate classification (germline): Uncertain significance (1 of 4 stars; one submission).

Allele frequency attached by ClinVar (database versions not stated): gnomAD exomes below 0.00001.
gnomAD v4.1: 2 of 1,608,252 alleles (0.00012%); highest among the groups gnomAD compares: Non-Finnish European, 0.00017%; no homozygotes.

Submission:

Labcorp Genetics (formerly Invitae), Labcorp
Classification: Uncertain significance. Last evaluated: 2022-06-12. Review status: criteria provided, single submitter. Criteria: Invitae Variant Classification Sherloc (09022015). Collection method: clinical testing. Allele origin: germline.
Comment: This variant is present in population databases (no rsID available, gnomAD 0.0009%). This sequence change falls in intron 5 of the OPA1 gene. It does not directly change the encoded amino acid sequence of the OPA1 protein. It affects a nucleotide within the consensus splice site. The OPA1 gene has multiple clinically relevant transcripts. This variant occurs in alternate transcript NM_130837.2, and corresponds to NM_015560.2:c.556+557G>C in the primary transcript. Variants that disrupt the consensus splice site are a relatively common cause of aberrant splicing (PMID: 17576681, 9536098). Experimental studies and prediction algorithms are not available or were not evaluated, and the effect of this variant on mRNA splicing is currently unknown. This variant has not been reported in the literature in individuals affected with OPA1-related conditions. In summary, the available evidence is currently insufficient to determine the role of this variant in disease. Therefore, it has been classified as a Variant of Uncertain Significance.

Literature cited by the submitters: PubMed 17576681; PubMed 9536098.